The following is an entry in ClinVar:

NM_006846.4(SPINK5):c.2112+3G>A

Gene: SPINK5 (serine peptidase inhibitor Kazal type 5; plus strand). Cytogenetic location: 5q32.
Variant type: single nucleotide variant.
Coding change: c.2112+3G>A on transcript NM_006846.4 (MANE Select); 3 bases into the intron after coding-DNA position 2112, G replaced by A.
Molecular consequence: intron variant.
Genome position (GRCh38, 1-based): chr5:148,116,469, G>A. VCF-style: chr5-148116469-G-A. GRCh37 (hg19) VCF-style: chr5-147496032-G-A.
Other names: c.2112+3G>A (NM_001127698.2, NM_001127699.2).
Identifiers: ClinVar variation 1952810 (VCV001952810.5), dbSNP rs761612369, ClinGen allele CA3495856.
Genomic context (GRCh38, chr5:148,116,469, plus strand): 5'-AGATCAGAGAAATGCTGCAGGACATGGTTCCAGTGGTGGTGGAGGAGGAAACACTCAGGT[G>A]AGAGCAACCTCTAATTTCAGTAACTGGGGCGGGCTCAACTCCTTGACAATAGGACTGTGA-3'

ClinVar aggregate classification (germline): Uncertain significance (1 of 4 stars; one submission).

Conditions:
Ichthyosis linearis circumflexa. Identifiers: MedGen C0265962, MONDO:0043106, HP:0025810.

Allele frequency attached by ClinVar (database versions not stated): gnomAD exomes below 0.00001; ExAC 0.00001; gnomAD 0.00001.
gnomAD v4.1: 3 of 1,613,896 alleles (0.00019%); highest among the groups gnomAD compares: Non-Finnish European, 0.00025%; no homozygotes.

Submission:

Labcorp Genetics (formerly Invitae), Labcorp
Classification: Uncertain significance for Ichthyosis linearis circumflexa. Last evaluated: 2022-07-06. Review status: criteria provided, single submitter. Criteria: Invitae Variant Classification Sherloc (09022015). Collection method: clinical testing. Allele origin: germline.
Comment: In summary, the available evidence is currently insufficient to determine the role of this variant in disease. Therefore, it has been classified as a Variant of Uncertain Significance. Variants that disrupt the consensus splice site are a relatively common cause of aberrant splicing (PMID: 17576681, 9536098). Algorithms developed to predict the effect of sequence changes on RNA splicing suggest that this variant is not likely to affect RNA splicing. This sequence change falls in intron 22 of the SPINK5 gene. It does not directly change the encoded amino acid sequence of the SPINK5 protein. It affects a nucleotide within the consensus splice site. This variant is present in population databases (rs761612369, gnomAD 0.0009%). This variant has not been reported in the literature in individuals affected with SPINK5-related conditions.

Literature cited by the submitters: PubMed 17576681; PubMed 9536098.